The following is an entry in ClinVar:

ClinVar aggregate classification (germline): Uncertain significance (1 of 4 stars; one submission).

Allele frequency attached by ClinVar (database versions not stated): gnomAD exomes below 0.00001.
gnomAD v4.1: 1 of 1,211,533 alleles (0.000083%); highest among the groups gnomAD compares: Non-Finnish European, 0.00011%; no homozygotes.

Submission:

Labcorp Genetics (formerly Invitae), Labcorp
Classification: Uncertain significance. Last evaluated: 2020-06-26. Review status: criteria provided, single submitter. Criteria: Invitae Variant Classification Sherloc (09022015). Collection method: clinical testing. Allele origin: germline.
Comment: This sequence change replaces isoleucine with leucine at codon 61 of the CLCN4 protein (p.Ile61Leu). The isoleucine residue is moderately conserved and there is a small physicochemical difference between isoleucine and leucine. This variant is not present in population databases (ExAC no frequency). This variant has not been reported in the literature in individuals with CLCN4-related conditions. Algorithms developed to predict the effect of missense changes on protein structure and function (SIFT, PolyPhen-2, Align-GVGD) all suggest that this variant is likely to be tolerated, but these predictions have not been confirmed by published functional studies and their clinical significance is uncertain. In summary, the available evidence is currently insufficient to determine the role of this variant in disease. Therefore, it has been classified as a Variant of Uncertain Significance.

NM_001830.4(CLCN4):c.181A>C (p.Ile61Leu)

Gene: CLCN4 (chloride voltage-gated channel 4; plus strand). Cytogenetic location: Xp22.2.
Variant type: single nucleotide variant.
Coding change: c.181A>C on transcript NM_001830.4 (MANE Select); coding-DNA position 181, A replaced by C.
Protein change: p.Ile61Leu; replaces isoleucine 61 with leucine.
Molecular consequence: missense variant. On other transcripts: intron variant (1).
Genome position (GRCh38, 1-based): chrX:10,187,551, A>C. VCF-style: chrX-10187551-A-C. GRCh37 (hg19) VCF-style: chrX-10155591-A-C.
Other names: c.-38-7360A>C (NM_001256944.2); short protein forms I61L.
Identifiers: ClinVar variation 1001824 (VCV001001824.8), dbSNP rs1923845523, ClinGen allele CA412032707.